The following is an entry in ClinVar:

ClinVar aggregate classification (germline): Pathogenic (1 of 4 stars; one submission).

Conditions:
Developmental and epileptic encephalopathy, 11 (DEE11). Also called: Early infantile epileptic encephalopathy 11. Identifiers: Orphanet 1934, MedGen C3150987, MONDO:0013388, OMIM 613721.
Seizures, benign familial infantile, 3 (BFIS3). Also called: Familial neonatal seizures; CONVULSIONS, BENIGN FAMILIAL INFANTILE, 3. Identifiers: Orphanet 140927, Orphanet 306, MedGen C1843140, MONDO:0011904, OMIM 607745.

Allele frequency attached by ClinVar (database versions not stated): gnomAD exomes below 0.00001.
gnomAD v4.1: 1 of 1,610,832 alleles (0.000062%); highest among the groups gnomAD compares: Non-Finnish European, 0.000085%; no homozygotes.

Submission:

Labcorp Genetics (formerly Invitae), Labcorp
Classification: Pathogenic for Seizures, benign familial infantile, 3; Developmental and epileptic encephalopathy, 11. Last evaluated: 2022-09-07. Review status: criteria provided, single submitter. Criteria: Invitae Variant Classification Sherloc (09022015). Collection method: clinical testing. Allele origin: germline.
Comment: For these reasons, this variant has been classified as Pathogenic. Algorithms developed to predict the effect of sequence changes on RNA splicing suggest that this variant may disrupt the consensus splice site. ClinVar contains an entry for this variant (Variation ID: 1497432). Disruption of this splice site has been observed in individual(s) with clinical features of SCN2A-related conditions (Invitae). In at least one individual the variant was observed to be de novo. This variant is not present in population databases (gnomAD no frequency). This sequence change affects an acceptor splice site in intron 13 of the SCN2A gene. It is expected to disrupt RNA splicing. Variants that disrupt the donor or acceptor splice site typically lead to a loss of protein function (PMID: 16199547), and loss-of-function variants in SCN2A are known to be pathogenic (PMID: 28379373).

Literature cited by the submitters: PubMed 16199547; PubMed 28379373.

NM_001040142.2(SCN2A):c.2150-2A>G

Gene: SCN2A (sodium voltage-gated channel alpha subunit 2; plus strand). Cytogenetic location: 2q24.3.
Variant type: single nucleotide variant.
Coding change: c.2150-2A>G on transcript NM_001040142.2 (MANE Select); the canonical splice acceptor site of the intron before coding-DNA position 2150, A replaced by G.
Molecular consequence: splice acceptor variant.
Genome position (GRCh38, 1-based): chr2:165,331,328, A>G. VCF-style: chr2-165331328-A-G. GRCh37 (hg19) VCF-style: chr2-166187838-A-G.
Other names: c.2150-2A>G (NM_001040143.2, NM_001371246.1, NM_001371247.1 and 1 more transcripts).
Identifiers: ClinVar variation 1497432 (VCV001497432.6), dbSNP rs2105293230, ClinGen allele CA349030388.